The following is an entry in ClinVar:

NM_001004334.4(GPR179):c.4166G>A (p.Gly1389Asp)

Gene: GPR179 (G protein-coupled receptor 179; minus strand). Cytogenetic location: 17q12.
Variant type: single nucleotide variant.
Coding change: c.4166G>A on transcript NM_001004334.4 (MANE Select); coding-DNA position 4166, G replaced by A.
Protein change: p.Gly1389Asp; replaces glycine 1389 with aspartic acid.
Molecular consequence: missense variant.
Genome position (GRCh38, 1-based): chr17:38,329,403, C>T on the plus strand (G>A on the coding strand, the complement: GPR179 is on the minus strand). VCF-style: chr17-38329403-C-T. GRCh37 (hg19) VCF-style: chr17-36485286-C-T.
Other names: short protein forms G1389D.
Identifiers: ClinVar variation 4852744 (VCV004852744.2).

ClinVar aggregate classification (germline): Likely benign (1 of 4 stars; one submission).

Submission:

Dasa
Classification: Likely benign. Last evaluated: 2025-12-10. Review status: criteria provided, single submitter. Criteria: DASA Assertion Criteria. Collection method: clinical testing. Allele origin: germline.
Comment: NM_001004334.4(GPR179):c.4166G>A (p.Gly1389Asp) is a missense variant that results in the substitution of glycine with aspartic acid. The variant context is inconsistent with a known disease-causing mechanism. Computational prediction algorithms are consistent with a benign effect. Therefore, based on the currently available evidence, this variant is classified as likely benign.